The following is an entry in ClinVar:

ClinVar aggregate classification (germline): Uncertain significance (1 of 4 stars; one submission).

Conditions:
Cardiovascular phenotype. Identifiers: MedGen CN230736.

gnomAD v4.1: 10 of 1,613,502 alleles (0.00062%); highest among the groups gnomAD compares: Admixed American, 0.0083%; no homozygotes.

Submission:

Ambry Genetics
Classification: Uncertain significance for Cardiovascular phenotype. Last evaluated: 2025-06-20. Review status: criteria provided, single submitter. Criteria: Ambry Variant Classification Scheme 2023. Collection method: clinical testing. Allele origin: germline.
Comment: The p.S10L variant (also known as c.29C>T), located in coding exon 1 of the TECRL gene, results from a C to T substitution at nucleotide position 29. The serine at codon 10 is replaced by leucine, an amino acid with dissimilar properties. This amino acid position is conserved. In addition, this alteration is predicted to be tolerated by in silico analysis. Based on the available evidence, the clinical significance of this variant remains unclear.

NM_001010874.5(TECRL):c.29C>T (p.Ser10Leu)

Gene: TECRL (trans-2,3-enoyl-CoA reductase like; minus strand). Cytogenetic location: 4q13.1.
Variant type: single nucleotide variant.
Coding change: c.29C>T on transcript NM_001010874.5 (MANE Select); coding-DNA position 29, C replaced by T.
Protein change: p.Ser10Leu; replaces serine 10 with leucine.
Molecular consequence: missense variant.
Genome position (GRCh38, 1-based): chr4:64,409,323, G>A on the plus strand (C>T on the coding strand, the complement: TECRL is on the minus strand). VCF-style: chr4-64409323-G-A. GRCh37 (hg19) VCF-style: chr4-65275041-G-A.
Other names: c.29C>T, p.Ser10Leu (NM_001363796.1); short protein forms S10L.
Identifiers: ClinVar variation 4182148 (VCV004182148.1).